The following is an entry in ClinVar:

NM_000045.4(ARG1):c.58-18T>C

Genes: ARG1 (arginase 1; plus strand), MED23 (mediator complex subunit 23; minus strand). Cytogenetic location: 6q23.2.
Variant type: single nucleotide variant.
Coding change: c.58-18T>C on transcript NM_000045.4 (MANE Select); 18 bases into the intron before coding-DNA position 58, T replaced by C.
Molecular consequence: intron variant.
Genome position (GRCh38, 1-based): chr6:131,576,645, T>C. VCF-style: chr6-131576645-T-C. GRCh37 (hg19) VCF-style: chr6-131897785-T-C.
Other names: c.58-18T>C (NM_001244438.2, NM_001369020.1); c.4078-2350A>G (NM_001270521.2); c.4096-2350A>G (NM_015979.4).
Identifiers: ClinVar variation 2008247 (VCV002008247.4), dbSNP rs1562353946, ClinGen allele CA1664131133.

ClinVar aggregate classification (germline): Uncertain significance (1 of 4 stars; one submission).

Conditions:
Arginase deficiency. Also called: ARGININEMIA; ARG1 DEFICIENCY; Arginase 1 Deficiency. Identifiers: Orphanet 90, MedGen C0268548, MONDO:0008814, OMIM 207800.

Submission:

Labcorp Genetics (formerly Invitae), Labcorp
Classification: Uncertain significance for Arginase deficiency. Last evaluated: 2022-06-19. Review status: criteria provided, single submitter. Criteria: Invitae Variant Classification Sherloc (09022015). Collection method: clinical testing. Allele origin: germline.
Comment: In summary, the available evidence is currently insufficient to determine the role of this variant in disease. Therefore, it has been classified as a Variant of Uncertain Significance. Algorithms developed to predict the effect of sequence changes on RNA splicing suggest that this variant may disrupt the consensus splice site. This variant has not been reported in the literature in individuals affected with ARG1-related conditions. This variant is not present in population databases (gnomAD no frequency). This sequence change falls in intron 1 of the ARG1 gene. It does not directly change the encoded amino acid sequence of the ARG1 protein.